The following is an entry in ClinVar:

NM_145239.3(PRRT2):c.917C>T (p.Ala306Val)

Genes: MVP-DT (MVP divergent transcript; minus strand), PRRT2 (proline rich transmembrane protein 2; plus strand). Cytogenetic location: 16p11.2.
Variant type: single nucleotide variant.
Coding change: c.917C>T on transcript NM_145239.3 (MANE Select); coding-DNA position 917, C replaced by T.
Protein change: p.Ala306Val; replaces alanine 306 with valine.
Molecular consequence: missense variant. On other transcripts: 3 prime UTR variant (1).
Genome position (GRCh38, 1-based): chr16:29,814,370, C>T. VCF-style: chr16-29814370-C-T. GRCh37 (hg19) VCF-style: chr16-29825691-C-T.
Other names: c.917C>T, p.Ala306Val (NM_001256442.2); c.*416C>T (NM_001256443.2); short protein forms A306V.
Identifiers: ClinVar variation 1011815 (VCV001011815.9), dbSNP rs1596894089, ClinGen allele CA395480583.

ClinVar aggregate classification (germline): Likely pathogenic (1 of 4 stars; one submission).

Conditions:
Episodic kinesigenic dyskinesia (EKD). Also called: Paroxysmal kinesigenic dyskinesia. Identifiers: Orphanet 98809, MedGen C1868682, MONDO:0044202.

Submission:

Labcorp Genetics (formerly Invitae), Labcorp
Classification: Likely pathogenic for Episodic kinesigenic dyskinesia. Last evaluated: 2023-08-04. Review status: criteria provided, single submitter. Criteria: Invitae Variant Classification Sherloc (09022015). Collection method: clinical testing. Allele origin: germline.
Comment: Advanced modeling of protein sequence and biophysical properties (such as structural, functional, and spatial information, amino acid conservation, physicochemical variation, residue mobility, and thermodynamic stability) performed at Invitae indicates that this missense variant is expected to disrupt PRRT2 protein function. This variant disrupts the p.Ala306 amino acid residue in PRRT2. Other variant(s) that disrupt this residue have been determined to be pathogenic (PMID: 23063574, 30392205, 31124310). This suggests that this residue is clinically significant, and that variants that disrupt this residue are likely to be disease-causing. In summary, the currently available evidence indicates that the variant is pathogenic, but additional data are needed to prove that conclusively. Therefore, this variant has been classified as Likely Pathogenic. ClinVar contains an entry for this variant (Variation ID: 1011815). This sequence change replaces alanine, which is neutral and non-polar, with valine, which is neutral and non-polar, at codon 306 of the PRRT2 protein (p.Ala306Val). This variant is not present in population databases (gnomAD no frequency). This variant has not been reported in the literature in individuals affected with PRRT2-related conditions.

Literature cited by the submitters: PubMed 23063574; PubMed 30392205; PubMed 31124310.